The following is an entry in ClinVar:

ClinVar aggregate classification (germline): Uncertain significance (1 of 4 stars; one submission).

gnomAD v4.1: 17 of 1,539,026 alleles (0.0011%); highest among the groups gnomAD compares: Non-Finnish European, 0.0014%; 1 homozygote.

Submission:

GeneDx
Classification: Uncertain significance. Last evaluated: 2023-04-10. Review status: criteria provided, single submitter. Criteria: GeneDx Variant Classification Process June 2021. Collection method: clinical testing. Allele origin: germline. Affected: yes.
Comment: Not observed at significant frequency in large population cohorts (gnomAD); In silico analysis supports that this missense variant does not alter protein structure/function; Has not been previously published as pathogenic or benign to our knowledge

NM_004519.4(KCNQ3):c.134T>A (p.Leu45Gln)

Gene: KCNQ3 (potassium voltage-gated channel subfamily Q member 3; minus strand). Cytogenetic location: 8q24.22.
Variant type: single nucleotide variant.
Coding change: c.134T>A on transcript NM_004519.4 (MANE Select); coding-DNA position 134, T replaced by A.
Protein change: p.Leu45Gln; replaces leucine 45 with glutamine.
Molecular consequence: missense variant.
Genome position (GRCh38, 1-based): chr8:132,480,399, A>T on the plus strand (T>A on the coding strand, the complement: KCNQ3 is on the minus strand). VCF-style: chr8-132480399-A-T. GRCh37 (hg19) VCF-style: chr8-133492646-A-T.
Other names: short protein forms L45Q.
Identifiers: ClinVar variation 3343012 (VCV003343012.1).